The following is an entry in ClinVar:

ClinVar aggregate classification (germline): Benign/Likely benign. Review status: criteria provided, multiple submitters, no conflicts (2 of 4 stars). 10 submissions from 10 submitters: Benign (6); Likely benign (2). 2 of the submissions do not count toward it. Last evaluated 2026-02-04.

Conditions:
Patterned macular dystrophy 2. Identifiers: Orphanet 99001, MedGen C1837029, MONDO:0012162, OMIM 608970.
Hereditary nonpolyposis colon cancer (HNPCC). Also called: Hereditary Nonpolyposis Colorectal Cancer Syndrome; Hereditary nonpolyposis colorectal cancer; Familial nonpolyposis colon cancer. Identifiers: Orphanet 443909, MedGen C1333990, MONDO:0018630. Disease mechanism: loss of function.
Hereditary cancer-predisposing syndrome. Also called: Neoplastic Syndromes, Hereditary; Hereditary Cancer Syndrome; Tumor predisposition; Hereditary neoplastic syndrome. Identifiers: Orphanet 140162, MedGen C0027672, MeSH D009386, MONDO:0015356.
Hereditary diffuse gastric adenocarcinoma (HDGC). Also called: DIFFUSE GASTRIC AND LOBULAR BREAST CANCER SYNDROME. Identifiers: Orphanet 26106, MedGen C1708349, MONDO:0007648, OMIM 137215.

Allele frequency attached by ClinVar (database versions not stated): gnomAD exomes 0.00106 and 0.00268; ExAC 0.00304; gnomAD 0.00929 and 0.00996; TOPMed 0.01073; ESP Exome Variant Server 0.01138; 1000 Genomes Project 0.01198; 1000 Genomes Project 30x 0.01218.
gnomAD v4.1: 3,028 of 1,614,162 alleles (0.19%); highest among the groups gnomAD compares: African/African-American, 3.3%; 56 homozygotes.

Submissions (10):

Labcorp Genetics (formerly Invitae), Labcorp
Classification: Benign. Last evaluated: 2026-02-04. Review status: criteria provided, single submitter. Criteria: Invitae Variant Classification Sherloc (09022015). Collection method: clinical testing. Allele origin: germline.

ARUP Laboratories, Molecular Genetics and Genomics, ARUP Laboratories
Classification: Benign for Patterned macular dystrophy 2. Last evaluated: 2025-04-09. Review status: criteria provided, single submitter. Criteria: ARUP Molecular Germline Variant Investigation Process 2024. Collection method: clinical testing. Allele origin: germline.

Center for Genomic Medicine, Rigshospitalet, Copenhagen University Hospital
Classification: Benign. Last evaluated: 2025-03-04. Review status: criteria provided, single submitter. Criteria: ACMG Guidelines, 2015. Collection method: clinical testing. Allele origin: germline.
Comment: Classification criteria: BA1

Blueprint Genetics
Classification: Likely benign. Last evaluated: 2024-11-25. Review status: criteria provided, single submitter. Criteria: ACMG Guidelines, 2015. Collection method: clinical testing. Allele origin: germline.

Myriad Genetics, Inc.
Classification: Benign for Hereditary diffuse gastric adenocarcinoma. Last evaluated: 2024-10-15. Review status: criteria provided, single submitter. Criteria: Myriad Autosomal Dominant, Autosomal Recessive and X-Linked Classification Criteria (2023). Collection method: clinical testing. Allele origin: unknown.
Comment: This variant is considered benign. This variant is a silent/synonymous amino acid change and it is not expected to impact splicing.

Hereditary Cancer Laboratory, Hospital Universitario 12 de Octubre
Classification: Likely benign for Hereditary cancer-predisposing syndrome. Last evaluated: 2024-09-10. Review status: criteria provided, single submitter. Criteria: ACMG Guidelines, 2015. Collection method: clinical testing. Allele origin: germline.
Comment: PM2+BP4+BP6+BP7

Department of Pathology and Laboratory Medicine, Sinai Health System
Classification: Benign for hereditary nonpolyposis colon cancer. Last evaluated: 2023-05-30. Review status: criteria provided, single submitter. Criteria: ACMG Guidelines, 2015. Collection method: clinical testing. Allele origin: germline. Affected: yes.

Ambry Genetics
Classification: Benign for Hereditary cancer-predisposing syndrome. Last evaluated: 2019-05-09. Review status: criteria provided, single submitter. Criteria: Ambry Variant Classification Scheme 2023. Collection method: clinical testing. Allele origin: germline.

Genome Diagnostics Laboratory, Amsterdam University Medical Center
Classification: Benign. Review status: no assertion criteria provided. Collection method: clinical testing. Allele origin: germline. Affected: yes. Study: VKGL Data-share Consensus. Not counted in ClinVar's aggregate classification.

Joint Genome Diagnostic Labs from Nijmegen and Maastricht, Radboudumc and MUMC+
Classification: Benign. Review status: no assertion criteria provided. Collection method: clinical testing. Allele origin: germline. Affected: yes. Study: VKGL Data-share Consensus. Not counted in ClinVar's aggregate classification.

NM_001903.5(CTNNA1):c.2343A>G (p.Gln781=)

Gene: CTNNA1 (catenin alpha 1; plus strand). Cytogenetic location: 5q31.2.
Variant type: single nucleotide variant.
Coding change: c.2343A>G on transcript NM_001903.5 (MANE Select); coding-DNA position 2343, A replaced by G.
Protein change: p.Gln781=; no amino-acid change (glutamine 781 retained).
Molecular consequence: synonymous variant. On other transcripts: intron variant (1).
Genome position (GRCh38, 1-based): chr5:138,932,622, A>G. VCF-style: chr5-138932622-A-G. GRCh37 (hg19) VCF-style: chr5-138268311-A-G.
Other names: c.2343A>G, p.Gln781= (NM_001290307.3, NM_001323982.2, NM_001323983.1 and 2 more transcripts); c.2034A>G, p.Gln678= (NM_001290309.3); c.1974A>G, p.Gln658= (NM_001290310.3); c.1233A>G, p.Gln411= (NM_001290312.1, NM_001323987.1, NM_001323988.1 and 16 more transcripts); c.2250A>G, p.Gln750= (NM_001323986.2); c.894A>G, p.Gln298= (NM_001324006.1, NM_001324007.1, NM_001324008.1 and 2 more transcripts); c.1140A>G, p.Gln380= (NM_001324011.1); c.990A>G, p.Gln330= (NM_001324012.1, NM_001324013.1); and 1 more.
Identifiers: ClinVar variation 239064 (VCV000239064.26), dbSNP rs75050399, ClinGen allele CA3432173.